The following is an entry in ClinVar:

ClinVar aggregate classification (germline): Uncertain significance (1 of 4 stars; one submission).

Conditions:
Fanconi anemia (FA). Also called: Fanconi's anemia. Identifiers: Orphanet 84, MedGen C0015625, MeSH D005199, MONDO:0019391.

Submission:

Labcorp Genetics (formerly Invitae), Labcorp
Classification: Uncertain significance for Fanconi anemia. Last evaluated: 2024-03-16. Review status: criteria provided, single submitter. Criteria: Invitae Variant Classification Sherloc (09022015). Collection method: clinical testing. Allele origin: germline.
Comment: This sequence change replaces glutamine, which is neutral and polar, with proline, which is neutral and non-polar, at codon 2017 of the FANCM protein (p.Gln2017Pro). This variant is not present in population databases (gnomAD no frequency). This variant has not been reported in the literature in individuals affected with FANCM-related conditions. An algorithm developed to predict the effect of missense changes on protein structure and function (PolyPhen-2) suggests that this variant is likely to be disruptive. In summary, the available evidence is currently insufficient to determine the role of this variant in disease. Therefore, it has been classified as a Variant of Uncertain Significance.

NM_020937.4(FANCM):c.6050A>C (p.Gln2017Pro)

Gene: FANCM (FA complementation group M; plus strand). Cytogenetic location: 14q21.2.
Variant type: single nucleotide variant.
Coding change: c.6050A>C on transcript NM_020937.4 (MANE Select); coding-DNA position 6050, A replaced by C.
Protein change: p.Gln2017Pro; replaces glutamine 2017 with proline.
Molecular consequence: missense variant.
Genome position (GRCh38, 1-based): chr14:45,199,911, A>C. VCF-style: chr14-45199911-A-C. GRCh37 (hg19) VCF-style: chr14-45669114-A-C.
Other names: c.5972A>C, p.Gln1991Pro (NM_001308133.2); short protein forms Q1991P, Q2017P.
Identifiers: ClinVar variation 3646142 (VCV003646142.2).